The following is an entry in ClinVar:

ClinVar aggregate classification (germline): Likely benign. Review status: criteria provided, single submitter (1 of 4 stars). 2 submissions from 2 submitters: Likely benign (1). 1 of the submissions does not count toward it. Last evaluated 2022-05-28.

Conditions:
COL4A1-related disorder. Also called: COL4A1-related disorders; COL4A1-related condition. Identifiers: MedGen CN376119, MONDO:0800461.

Allele frequency attached by ClinVar (database versions not stated): gnomAD exomes below 0.00001; TOPMed below 0.00001.
gnomAD v4.1: 1 of 1,614,170 alleles (0.000062%); highest among the groups gnomAD compares: Admixed American, 0.0017%; no homozygotes.

Submissions (2):

Labcorp Genetics (formerly Invitae), Labcorp
Classification: Likely benign. Last evaluated: 2022-05-28. Review status: criteria provided, single submitter. Criteria: Invitae Variant Classification Sherloc (09022015). Collection method: clinical testing. Allele origin: germline.

PreventionGenetics, part of Exact Sciences
Classification: Likely benign for COL4A1-related condition. Last evaluated: 2024-08-10. Review status: no assertion criteria provided. Collection method: clinical testing. Allele origin: germline. Not counted in ClinVar's aggregate classification.
Comment: This variant is classified as likely benign based on ACMG/AMP sequence variant interpretation guidelines (Richards et al. 2015 PMID: 25741868, with internal and published modifications).

NM_001845.6(COL4A1):c.4920G>A (p.Glu1640=)

Gene: COL4A1 (collagen type IV alpha 1 chain; minus strand). Cytogenetic location: 13q34.
Variant type: single nucleotide variant.
Coding change: c.4920G>A on transcript NM_001845.6 (MANE Select); coding-DNA position 4920, G replaced by A.
Protein change: p.Glu1640=; no amino-acid change (glutamic acid 1640 retained).
Molecular consequence: synonymous variant.
Genome position (GRCh38, 1-based): chr13:110,152,342, C>T on the plus strand (G>A on the coding strand, the complement: COL4A1 is on the minus strand). VCF-style: chr13-110152342-C-T. GRCh37 (hg19) VCF-style: chr13-110804689-C-T.
Other names: c.4920G>A (NM_001845.5).
Identifiers: ClinVar variation 1934098 (VCV001934098.6), dbSNP rs973027770, ClinGen allele CA256239206.